The following is an entry in ClinVar:

ClinVar aggregate classification (germline): Uncertain significance (1 of 4 stars; one submission).

Allele frequency attached by ClinVar (database versions not stated): gnomAD exomes below 0.00001.
gnomAD v4.1: 1 of 1,606,916 alleles (0.000062%); highest among the groups gnomAD compares: South Asian, 0.0011%; no homozygotes.

Submission:

Labcorp Genetics (formerly Invitae), Labcorp
Classification: Uncertain significance. Last evaluated: 2023-12-09. Review status: criteria provided, single submitter. Criteria: Invitae Variant Classification Sherloc (09022015). Collection method: clinical testing. Allele origin: germline.
Comment: This sequence change replaces valine, which is neutral and non-polar, with isoleucine, which is neutral and non-polar, at codon 424 of the JAK2 protein (p.Val424Ile). This variant is not present in population databases (gnomAD no frequency). This variant has not been reported in the literature in individuals affected with JAK2-related conditions. Advanced modeling of protein sequence and biophysical properties (such as structural, functional, and spatial information, amino acid conservation, physicochemical variation, residue mobility, and thermodynamic stability) performed at Invitae indicates that this missense variant is not expected to disrupt JAK2 protein function with a negative predictive value of 80%. In summary, the available evidence is currently insufficient to determine the role of this variant in disease. Therefore, it has been classified as a Variant of Uncertain Significance.

NM_004972.4(JAK2):c.1270G>A (p.Val424Ile)

Genes: INSL6 (insulin like 6; minus strand), JAK2 (Janus kinase 2; plus strand). Cytogenetic location: 9p24.1.
Variant type: single nucleotide variant.
Coding change: c.1270G>A on transcript NM_004972.4 (MANE Select); coding-DNA position 1270, G replaced by A.
Protein change: p.Val424Ile; replaces valine 424 with isoleucine.
Molecular consequence: missense variant. On other transcripts: non-coding transcript variant (2).
Genome position (GRCh38, 1-based): chr9:5,066,733, G>A. VCF-style: chr9-5066733-G-A. GRCh37 (hg19) VCF-style: chr9-5066733-G-A.
Other names: c.1270G>A, p.Val424Ile (NM_001322194.2, NM_001322195.2, NM_001322196.2); c.55G>A, p.Val19Ile (NM_001322198.2, NM_001322199.2); c.823G>A, p.Val275Ile (NM_001322204.2); short protein forms V19I, V424I, V275I.
Identifiers: ClinVar variation 2701643 (VCV002701643.3), dbSNP rs2489020077, ClinGen allele CA372824615.